The following is an entry in ClinVar:

NM_002840.5(PTPRF):c.1323C>T (p.Asn441=)

Gene: PTPRF (protein tyrosine phosphatase receptor type F; plus strand). Cytogenetic location: 1p34.2.
Variant type: single nucleotide variant.
Coding change: c.1323C>T on transcript NM_002840.5 (MANE Select); coding-DNA position 1323, C replaced by T.
Protein change: p.Asn441=; no amino-acid change (asparagine 441 retained).
Molecular consequence: synonymous variant.
Genome position (GRCh38, 1-based): chr1:43,591,345, C>T. VCF-style: chr1-43591345-C-T. GRCh37 (hg19) VCF-style: chr1-44057016-C-T.
Other names: c.1341C>T, p.Asn447= (NM_001329137.2); c.1353C>T, p.Asn451= (NM_001329138.2); c.1323C>T, p.Asn441= (NM_001329139.2, NM_001329140.2, NM_130440.4).
Identifiers: ClinVar variation 3041074 (VCV003041074.2), dbSNP rs1041299405, ClinGen allele CA21645760.

ClinVar aggregate classification (germline): Likely benign (0 of 4 stars; one submission).

Conditions:
PTPRF-related disorder. Also called: PTPRF-related condition.

Allele frequency attached by ClinVar (database versions not stated): gnomAD 0.00002; TOPMed 0.00002; gnomAD exomes 0.00003.

Submission:

PreventionGenetics, part of Exact Sciences
Classification: Likely benign for PTPRF-related condition. Last evaluated: 2019-09-10. Review status: no assertion criteria provided. Collection method: clinical testing. Allele origin: germline.
Comment: This variant is classified as likely benign based on ACMG/AMP sequence variant interpretation guidelines (Richards et al. 2015 PMID: 25741868, with internal and published modifications).